The following is an entry in ClinVar:

ClinVar aggregate classification (germline): Benign/Likely benign. Review status: criteria provided, multiple submitters, no conflicts (2 of 4 stars). 12 submissions from 11 submitters: Benign (4); Likely benign (8). Last evaluated 2026-03-27.

Conditions:
Fibromuscular dysplasia, multifocal. Identifiers: MedGen C5543412, MONDO:0859151, OMIM 619329.
Ehlers-Danlos syndrome, classic type, 1 (EDSCL1). Also called: EDS I; EHLERS-DANLOS SYNDROME, GRAVIS TYPE; EHLERS-DANLOS SYNDROME, SEVERE CLASSIC TYPE; Ehlers-Danlos syndrome, type 1; Ehlers-Danlos Syndrome, Classic Type, COL5A1-Related. Identifiers: MedGen C0268335, MONDO:0019567, OMIM 130000.
Familial thoracic aortic aneurysm and aortic dissection (TAAD). Also called: Thoracic aortic aneurysms and dissections. Identifiers: Orphanet 91387, MedGen C4707243, MONDO:0019625.

Allele frequency attached by ClinVar (database versions not stated): gnomAD exomes 0.00022 and 0.00050; ExAC 0.00062; 1000 Genomes Project 30x 0.00094; 1000 Genomes Project 0.00100; ESP Exome Variant Server 0.00138; gnomAD 0.00161 and 0.00176; TOPMed 0.00189.
gnomAD v4.1: 570 of 1,612,736 alleles (0.035%); highest among the groups gnomAD compares: African/African-American, 0.57%; 2 homozygotes.

Submissions (12):

Molecular Diagnostic Laboratory for Inherited Cardiovascular Disease, Montreal Heart Institute
Classification: Likely benign. Last evaluated: 2026-03-27. Review status: criteria provided, single submitter. Criteria: ACMG Guidelines, 2015. Collection method: clinical testing. Allele origin: germline. Affected: no.
Comment: BS1;BP4

Labcorp Genetics (formerly Invitae), Labcorp
Classification: Benign for Ehlers-Danlos syndrome, classic type, 1. Last evaluated: 2026-02-01. Review status: criteria provided, single submitter. Criteria: Invitae Variant Classification Sherloc (09022015). Collection method: clinical testing. Allele origin: germline.

Mayo Clinic Laboratories, Mayo Clinic
Classification: Likely benign. Last evaluated: 2025-08-20. Review status: criteria provided, single submitter. Criteria: ACMG Guidelines, 2015. Collection method: clinical testing. Allele origin: germline. Observed: 3 variant alleles.
Comment: BS1, BP4

Blueprint Genetics
Classification: Likely benign. Last evaluated: 2024-11-07. Review status: criteria provided, single submitter. Criteria: ACMG Guidelines, 2015. Collection method: clinical testing. Allele origin: germline.

Women's Health and Genetics/Laboratory Corporation of America, LabCorp
Classification: Likely benign. Last evaluated: 2023-07-21. Review status: criteria provided, single submitter. Criteria: LabCorp Variant Classification Summary - May 2015. Collection method: clinical testing. Allele origin: germline.

Genome-Nilou Lab
Classification: Benign for Ehlers-Danlos syndrome, classic type, 1. Last evaluated: 2022-03-15. Review status: criteria provided, single submitter. Criteria: ACMG Guidelines, 2015. Collection method: clinical testing. Allele origin: germline. Affected: no.

Genome-Nilou Lab
Classification: Benign for Fibromuscular dysplasia, multifocal. Last evaluated: 2022-03-15. Review status: criteria provided, single submitter. Criteria: ACMG Guidelines, 2015. Collection method: clinical testing. Allele origin: germline. Affected: no.

Fulgent Genetics
Classification: Likely benign for Ehlers-Danlos syndrome, classic type, 1; Fibromuscular dysplasia, multifocal. Last evaluated: 2021-10-29. Review status: criteria provided, single submitter. Criteria: ACMG Guidelines, 2015. Collection method: clinical testing. Allele origin: unknown.

GeneDx
Classification: Likely benign. Last evaluated: 2020-06-05. Review status: criteria provided, single submitter. Criteria: GeneDx Variant Classification Process June 2021. Collection method: clinical testing. Allele origin: germline. Affected: yes.

Ambry Genetics
Classification: Likely benign for Familial thoracic aortic aneurysm and aortic dissection. Last evaluated: 2018-05-31. Review status: criteria provided, single submitter. Criteria: Ambry Variant Classification Scheme 2023. Collection method: clinical testing. Allele origin: germline.

Eurofins Ntd Llc (ga)
Classification: Benign. Last evaluated: 2014-12-03. Review status: criteria provided, single submitter. Criteria: EGL Classification Definitions 2015. Collection method: clinical testing. Allele origin: germline. Observed: 1 variant allele, 1 heterozygote.

Breakthrough Genomics
Classification: Likely benign. Review status: criteria provided, single submitter. Criteria: ACMG Guidelines, 2015. Collection method: not provided. Allele origin: germline. Inheritance: Autosomal dominant inheritance. Affected: yes.

NM_000093.5(COL5A1):c.2695G>A (p.Gly899Ser)

Gene: COL5A1 (collagen type V alpha 1 chain; plus strand). Cytogenetic location: 9q34.3.
Variant type: single nucleotide variant.
Coding change: c.2695G>A on transcript NM_000093.5 (MANE Select); coding-DNA position 2695, G replaced by A.
Protein change: p.Gly899Ser; replaces glycine 899 with serine.
Molecular consequence: missense variant.
Genome position (GRCh38, 1-based): chr9:134,789,203, G>A. VCF-style: chr9-134789203-G-A. GRCh37 (hg19) VCF-style: chr9-137681049-G-A.
Other names: p.G899S:GGC>AGC; p.Gly899Ser; c.2695G>A, p.Gly899Ser (NM_001278074.1); short protein forms G899S.
Identifiers: ClinVar variation 196728 (VCV000196728.29), dbSNP rs149964491, ClinGen allele CA302952.